The following is an entry in ClinVar:

ClinVar aggregate classification (germline): Likely benign (1 of 4 stars; one submission).

gnomAD v4.1: 1 of 1,600,144 alleles (0.000062%); highest among the groups gnomAD compares: Non-Finnish European, 0.000085%; no homozygotes.

Submission:

CeGaT Center for Human Genetics Tuebingen
Classification: Likely benign. Last evaluated: 2024-08-01. Review status: criteria provided, single submitter. Criteria: CeGaT Center For Human Genetics Tuebingen Variant Classification Criteria Version 2. Collection method: clinical testing. Allele origin: germline. Affected: yes. Observed: 1 variant allele.
Comment: ABCA2: PM2:Supporting, BP4, BP7

NM_001606.5(ABCA2):c.4689G>A (p.Glu1563=)

Gene: ABCA2 (ATP binding cassette subfamily A member 2; minus strand). Cytogenetic location: 9q34.3.
Variant type: single nucleotide variant.
Coding change: c.4689G>A on transcript NM_001606.5 (MANE Select); coding-DNA position 4689, G replaced by A.
Protein change: p.Glu1563=; no amino-acid change (glutamic acid 1563 retained).
Molecular consequence: synonymous variant.
Genome position (GRCh38, 1-based): chr9:137,013,180, C>T on the plus strand (G>A on the coding strand, the complement: ABCA2 is on the minus strand). VCF-style: chr9-137013180-C-T. GRCh37 (hg19) VCF-style: chr9-139907632-C-T.
Other names: c.4686G>A, p.Glu1562= (NM_001411042.1); c.4779G>A, p.Glu1593= (NM_212533.3).
Identifiers: ClinVar variation 3342058 (VCV003342058.16).
Genomic context (GRCh38, chr9:137,013,180, plus strand): 5'-CCCCTGTGTGAAGGACTCCAGACACATGCTGTCGAAGAACCGAGCCGCCAGCAGGCGCGA[C>T]TCCCCGCTGCTCAGGTTCAACGTGGGCCCCAGCGAGCCGTTGGCGGGAGACTTGAGCACG-3'
Protein context (NP_001597.2, residues 1553-1573): LGPTLNLSSG[Glu1563=]SRLLAARFFD